The following is an entry in ClinVar:

NM_001286445.3(RIPOR2):c.1975G>A (p.Glu659Lys)

Gene: RIPOR2 (RHO family interacting cell polarization regulator 2; minus strand). Cytogenetic location: 6p22.3.
Variant type: single nucleotide variant.
Coding change: c.1975G>A on transcript NM_001286445.3 (MANE Select); coding-DNA position 1975, G replaced by A.
Protein change: p.Glu659Lys; replaces glutamic acid 659 with lysine.
Molecular consequence: missense variant.
Genome position (GRCh38, 1-based): chr6:24,839,155, C>T on the plus strand (G>A on the coding strand, the complement: RIPOR2 is on the minus strand). VCF-style: chr6-24839155-C-T. GRCh37 (hg19) VCF-style: chr6-24839383-C-T.
Other names: c.1888G>A, p.Glu630Lys (NM_001346031.2, NM_001346032.2); c.2038G>A, p.Glu680Lys (NM_014722.5); short protein forms E630K, E659K, E680K.
Identifiers: ClinVar variation 2498998 (VCV002498998.28), dbSNP rs2532626749, ClinGen allele CA362992917.

ClinVar aggregate classification (germline): Uncertain significance (1 of 4 stars; one submission).

gnomAD v4.1: 1 of 1,551,740 alleles (0.000064%); highest among the groups gnomAD compares: East Asian, 0.0024%; no homozygotes.

Submission:

CeGaT Center for Human Genetics Tuebingen
Classification: Uncertain significance. Last evaluated: 2023-02-01. Review status: criteria provided, single submitter. Criteria: CeGaT Center For Human Genetics Tuebingen Variant Classification Criteria Version 2. Collection method: clinical testing. Allele origin: germline. Affected: yes. Observed: 1 variant allele.
Comment: RIPOR2: PM2